The following is an entry in ClinVar:

ClinVar aggregate classification (germline): Uncertain significance (1 of 4 stars; one submission).

Submission:

Labcorp Genetics (formerly Invitae), Labcorp
Classification: Uncertain significance. Last evaluated: 2026-01-10. Review status: criteria provided, single submitter. Criteria: Invitae Variant Classification Sherloc (09022015). Collection method: clinical testing. Allele origin: germline.
Comment: This sequence change replaces valine, which is neutral and non-polar, with leucine, which is neutral and non-polar, at codon 64 of the LZTR1 protein (p.Val64Leu). This variant is not present in population databases (gnomAD no frequency). This variant has not been reported in the literature in individuals affected with LZTR1-related conditions. ClinVar contains an entry for this variant (Variation ID: 3715676). Invitae Evidence Modeling of protein sequence and biophysical properties (such as structural, functional, and spatial information, amino acid conservation, physicochemical variation, residue mobility, and thermodynamic stability) indicates that this missense variant is not expected to disrupt LZTR1 protein function with a negative predictive value of 80%. In summary, the available evidence is currently insufficient to determine the role of this variant in disease. Therefore, it has been classified as a Variant of Uncertain Significance.

NM_006767.4(LZTR1):c.190G>T (p.Val64Leu)

Gene: LZTR1 (leucine zipper like post translational regulator 1; plus strand). Cytogenetic location: 22q11.21.
Variant type: single nucleotide variant.
Coding change: c.190G>T on transcript NM_006767.4 (MANE Select); coding-DNA position 190, G replaced by T.
Protein change: p.Val64Leu; replaces valine 64 with leucine.
Molecular consequence: missense variant.
Genome position (GRCh38, 1-based): chr22:20,982,561, G>T. VCF-style: chr22-20982561-G-T. GRCh37 (hg19) VCF-style: chr22-21336850-G-T.
Other names: short protein forms V64L.
Identifiers: ClinVar variation 3715676 (VCV003715676.2).
Genomic context (GRCh38, chr22:20,982,561, plus strand): 5'-AACTTCGGGCCCTTCGAAACAGTGCATCGCTGGCGGCGCCTCCCGCCCTGCGACGAGTTC[G>T]TGGGTGCCCGGTACGGTGGGCTTCATGGGGTCCTGAGGACAGGAAGGGCGATCTGCGAGG-3'
Protein context (NP_006758.2, residues 54-74): WRRLPPCDEF[Val64Leu]GARRSKHTVV